The following is an entry in ClinVar:

NM_001365790.2(KLHL33):c.1630C>T (p.Gln544Ter)

Gene: KLHL33 (kelch like family member 33; minus strand). Cytogenetic location: 14q11.2.
Variant type: single nucleotide variant.
Coding change: c.1630C>T on transcript NM_001365790.2 (MANE Select); coding-DNA position 1630, C replaced by T.
Protein change: p.Gln544Ter; replaces glutamine 544 with a stop codon.
Molecular consequence: nonsense.
Genome position (GRCh38, 1-based): chr14:20,429,838, G>A on the plus strand (C>T on the coding strand, the complement: KLHL33 is on the minus strand). VCF-style: chr14-20429838-G-A. GRCh37 (hg19) VCF-style: chr14-20897997-G-A.
Other names: c.838C>T, p.Gln280Ter (NM_001109997.3); short protein forms Q280*, Q544*.
Identifiers: ClinVar variation 4876227 (VCV004876227.1).

ClinVar aggregate classification (germline): Uncertain significance (1 of 4 stars; one submission).

Conditions:
Male infertility. Identifiers: MedGen C0021364, MeSH D007248, MONDO:0005372, HP:0003251.

Submission:

Department of Molecular Medicine, Shahid Sadoughi University of Medical Sciences
Classification: Uncertain significance for Male infertility. Last evaluated: 2026-07-06. Review status: criteria provided, single submitter. Criteria: Assertion Criteria For Variant Classification. Collection method: research. Allele origin: germline. Affected: yes. Observed: 1 variant allele, 1 homozygote.
Comment: The variant is extremely rare in the general population (gnomAD AF 6.57×10⁻⁶) and is predicted to result in loss of function through premature protein truncation. It has a high CADD score (43) and is absent from published reports linking KLHL33 to male infertility. Although KLHL33 has not yet been established as a disease-associated gene for male infertility, its predicted loss-of-function effect and potential biological role in spermatogenesis support further investigation. However, current evidence remains insufficient to establish disease causality; therefore, this variant is classified as a Variant of Uncertain Significance (VUS)